The following is an entry in ClinVar:

ClinVar aggregate classification (germline): Uncertain significance (1 of 4 stars; one submission).

Conditions:
Hereditary cancer-predisposing syndrome. Also called: Tumor predisposition; Neoplastic Syndromes, Hereditary; Hereditary Cancer Syndrome; Hereditary neoplastic syndrome. Identifiers: Orphanet 140162, MedGen C0027672, MeSH D009386, MONDO:0015356.

Submission:

Ambry Genetics
Classification: Uncertain significance for Hereditary cancer-predisposing syndrome. Last evaluated: 2024-12-14. Review status: criteria provided, single submitter. Criteria: Ambry Variant Classification Scheme 2023. Collection method: clinical testing. Allele origin: germline.
Comment: The p.R1037T variant (also known as c.3110G>C), located in coding exon 21 of the PDGFRA gene, results from a G to C substitution at nucleotide position 3110. The arginine at codon 1037 is replaced by threonine, an amino acid with similar properties. This amino acid position is conserved. In addition, the in silico prediction for this alteration is inconclusive. Since supporting evidence is limited at this time, the clinical significance of this alteration remains unclear.

NM_006206.6(PDGFRA):c.3110G>C (p.Arg1037Thr)

Gene: PDGFRA (platelet derived growth factor receptor alpha; plus strand). Cytogenetic location: 4q12.
Variant type: single nucleotide variant.
Coding change: c.3110G>C on transcript NM_006206.6 (MANE Select); coding-DNA position 3110, G replaced by C.
Protein change: p.Arg1037Thr; replaces arginine 1037 with threonine.
Molecular consequence: missense variant.
Genome position (GRCh38, 1-based): chr4:54,290,542, G>C. VCF-style: chr4-54290542-G-C. GRCh37 (hg19) VCF-style: chr4-55156709-G-C.
Other names: c.3185G>C, p.Arg1062Thr (NM_001347828.2); c.3110G>C, p.Arg1037Thr (NM_001347829.2); c.3149G>C, p.Arg1050Thr (NM_001347830.2); short protein forms R1037T, R1062T, R1050T.
Identifiers: ClinVar variation 1727748 (VCV001727748.3), dbSNP rs747082676, ClinGen allele CA356896398.